The following is an entry in ClinVar:

ClinVar aggregate classification (germline): Uncertain significance (1 of 4 stars; one submission).

Allele frequency attached by ClinVar (database versions not stated): TOPMed below 0.00001.

Submission:

Labcorp Genetics (formerly Invitae), Labcorp
Classification: Uncertain significance. Last evaluated: 2022-09-07. Review status: criteria provided, single submitter. Criteria: Invitae Variant Classification Sherloc (09022015). Collection method: clinical testing. Allele origin: germline.
Comment: In summary, the available evidence is currently insufficient to determine the role of this variant in disease. Therefore, it has been classified as a Variant of Uncertain Significance. Advanced modeling of protein sequence and biophysical properties (such as structural, functional, and spatial information, amino acid conservation, physicochemical variation, residue mobility, and thermodynamic stability) performed at Invitae indicates that this missense variant is expected to disrupt KMT2A protein function. This variant has not been reported in the literature in individuals affected with KMT2A-related conditions. This variant is not present in population databases (gnomAD no frequency). This sequence change replaces glycine, which is neutral and non-polar, with valine, which is neutral and non-polar, at codon 725 of the KMT2A protein (p.Gly725Val).

NM_001197104.2(KMT2A):c.2174G>T (p.Gly725Val)

Gene: KMT2A (lysine methyltransferase 2A; plus strand). Cytogenetic location: 11q23.3.
Variant type: single nucleotide variant.
Coding change: c.2174G>T on transcript NM_001197104.2 (MANE Select); coding-DNA position 2174, G replaced by T.
Protein change: p.Gly725Val; replaces glycine 725 with valine.
Molecular consequence: missense variant.
Genome position (GRCh38, 1-based): chr11:118,473,333, G>T. VCF-style: chr11-118473333-G-T. GRCh37 (hg19) VCF-style: chr11-118344048-G-T.
Other names: c.2273G>T, p.Gly758Val (NM_001412597.1); c.2174G>T, p.Gly725Val (NM_005933.4); short protein forms G725V, G758V.
Identifiers: ClinVar variation 1718972 (VCV001718972.5), dbSNP rs1389065490, ClinGen allele CA382813270.